The following is an entry in ClinVar:

ClinVar aggregate classification (germline): Uncertain significance (1 of 4 stars; one submission).

Conditions:
RFT1-congenital disorder of glycosylation (CDG1N). Also called: Congenital disorder of glycosylation type In; CDG In; RFT1-CDG. Identifiers: Orphanet 244310, MedGen C2677590, MONDO:0012783, OMIM 612015.

Allele frequency attached by ClinVar (database versions not stated): gnomAD exomes 0.00001.
gnomAD v4.1: 11 of 1,613,790 alleles (0.00068%); highest among the groups gnomAD compares: Non-Finnish European, 0.00093%; no homozygotes.

Submission:

Labcorp Genetics (formerly Invitae), Labcorp
Classification: Uncertain significance for RFT1-congenital disorder of glycosylation. Last evaluated: 2022-09-13. Review status: criteria provided, single submitter. Criteria: Invitae Variant Classification Sherloc (09022015). Collection method: clinical testing. Allele origin: germline.
Comment: In summary, the available evidence is currently insufficient to determine the role of this variant in disease. Therefore, it has been classified as a Variant of Uncertain Significance. ClinVar contains an entry for this variant (Variation ID: 1499951). This variant has not been reported in the literature in individuals affected with RFT1-related conditions. This variant is present in population databases (no rsID available, gnomAD 0.0009%). This sequence change creates a premature translational stop signal (p.Gln254*) in the RFT1 gene. It is expected to result in an absent or disrupted protein product. However, the current clinical and genetic evidence is not sufficient to establish whether loss-of-function variants in RFT1 cause disease.

NM_052859.4(RFT1):c.760C>T (p.Gln254Ter)

Gene: RFT1 (RFT1 glycolipid translocator homolog; minus strand). Cytogenetic location: 3p21.1.
Variant type: single nucleotide variant.
Coding change: c.760C>T on transcript NM_052859.4 (MANE Select); coding-DNA position 760, C replaced by T.
Protein change: p.Gln254Ter; replaces glutamine 254 with a stop codon.
Molecular consequence: nonsense.
Genome position (GRCh38, 1-based): chr3:53,111,845, G>A on the plus strand (C>T on the coding strand, the complement: RFT1 is on the minus strand). VCF-style: chr3-53111845-G-A. GRCh37 (hg19) VCF-style: chr3-53145861-G-A.
Other names: short protein forms Q254*.
Identifiers: ClinVar variation 1499951 (VCV001499951.6), dbSNP rs185019792, ClinGen allele CA353230922.